The following is an entry in ClinVar:

ClinVar aggregate classification (germline): Uncertain significance (1 of 4 stars; one submission).

Allele frequency attached by ClinVar (database versions not stated): TOPMed below 0.00001.
gnomAD v4.1: 3 of 1,594,518 alleles (0.00019%); highest among the groups gnomAD compares: South Asian, 0.0011%; no homozygotes.

Submission:

GeneDx
Classification: Uncertain significance. Last evaluated: 2022-10-25. Review status: criteria provided, single submitter. Criteria: GeneDx Variant Classification Process June 2021. Collection method: clinical testing. Allele origin: germline. Affected: yes.
Comment: Not observed at significant frequency in large population cohorts (gnomAD); In silico analysis supports that this missense variant does not alter protein structure/function; Has not been previously published as pathogenic or benign to our knowledge

NM_006035.4(CDC42BPB):c.4886G>T (p.Arg1629Leu)

Gene: CDC42BPB (CDC42 binding protein kinase beta; minus strand). Cytogenetic location: 14q32.32.
Variant type: single nucleotide variant.
Coding change: c.4886G>T on transcript NM_006035.4 (MANE Select); coding-DNA position 4886, G replaced by T.
Protein change: p.Arg1629Leu; replaces arginine 1629 with leucine.
Molecular consequence: missense variant.
Genome position (GRCh38, 1-based): chr14:102,938,353, C>A on the plus strand (G>T on the coding strand, the complement: CDC42BPB is on the minus strand). VCF-style: chr14-102938353-C-A. GRCh37 (hg19) VCF-style: chr14-103404690-C-A.
Other names: c.4808G>T, p.Arg1603Leu (NM_001411054.1); short protein forms R1603L, R1629L.
Identifiers: ClinVar variation 2500642 (VCV002500642.1), dbSNP rs771256532, ClinGen allele CA391071925.